The following is an entry in ClinVar:

ClinVar aggregate classification (germline): Uncertain significance. Review status: criteria provided, multiple submitters, no conflicts (2 of 4 stars). 2 submissions from 2 submitters: Uncertain significance (2). Last evaluated 2025-02-07.

Conditions:
Inborn genetic diseases. Identifiers: MedGen C0950123, MeSH D030342.
Isolated microphthalmia 5. Also called: Posterior Microphthalmia with Retinitis Pigmentosa, Foveoschisis, and Optic Disc Drusen. Identifiers: Orphanet 251279, MedGen C1970236, MONDO:0012605, OMIM 611040.

Allele frequency attached by ClinVar (database versions not stated): TOPMed 0.00001; gnomAD exomes 0.00003; gnomAD 0.00003.
gnomAD v4.1: 45 of 1,609,532 alleles (0.0028%); highest among the groups gnomAD compares: Non-Finnish European, 0.0037%; no homozygotes.

Submissions (2):

Ambry Genetics
Classification: Uncertain significance for Inborn genetic diseases. Last evaluated: 2025-02-07. Review status: criteria provided, single submitter. Criteria: Ambry Variant Classification Scheme 2023. Collection method: clinical testing. Allele origin: germline.

Labcorp Genetics (formerly Invitae), Labcorp
Classification: Uncertain significance for Isolated microphthalmia 5. Last evaluated: 2022-01-15. Review status: criteria provided, single submitter. Criteria: Invitae Variant Classification Sherloc (09022015). Collection method: clinical testing. Allele origin: germline.
Comment: In summary, the available evidence is currently insufficient to determine the role of this variant in disease. Therefore, it has been classified as a Variant of Uncertain Significance. Algorithms developed to predict the effect of missense changes on protein structure and function are either unavailable or do not agree on the potential impact of this missense change (SIFT: "Tolerated"; PolyPhen-2: "Possibly Damaging"; Align-GVGD: "Class C0"). ClinVar contains an entry for this variant (Variation ID: 853803). This variant has not been reported in the literature in individuals affected with MFRP-related conditions. This variant is not present in population databases (gnomAD no frequency). This sequence change replaces histidine, which is basic and polar, with tyrosine, which is neutral and polar, at codon 230 of the MFRP protein (p.His230Tyr).

NM_031433.4(MFRP):c.688C>T (p.His230Tyr)

Genes: C1QTNF5 (C1q and TNF related 5; minus strand), MFRP (membrane frizzled-related protein; minus strand). Cytogenetic location: 11q23.3.
Variant type: single nucleotide variant.
Coding change: c.688C>T on transcript NM_031433.4 (MANE Select); coding-DNA position 688, C replaced by T.
Protein change: p.His230Tyr; replaces histidine 230 with tyrosine.
Molecular consequence: missense variant. On other transcripts: 5 prime UTR variant (1).
Genome position (GRCh38, 1-based): chr11:119,344,958, G>A on the plus strand (C>T on the coding strand, the complement: MFRP is on the minus strand). VCF-style: chr11-119344958-G-A. GRCh37 (hg19) VCF-style: chr11-119215668-G-A.
Other names: c.-1949C>T (NM_015645.5); short protein forms H230Y.
Identifiers: ClinVar variation 853803 (VCV000853803.10), dbSNP rs763646029, ClinGen allele CA229677648.